The following is an entry in ClinVar:

ClinVar aggregate classification (germline): Uncertain significance (1 of 4 stars; one submission).

Conditions:
Fanconi anemia (FA). Also called: Fanconi's anemia. Identifiers: Orphanet 84, MedGen C0015625, MeSH D005199, MONDO:0019391.

gnomAD v4.1: 1 of 1,614,138 alleles (0.000062%); highest among the groups gnomAD compares: Non-Finnish European, 0.000085%; no homozygotes.

Submission:

Labcorp Genetics (formerly Invitae), Labcorp
Classification: Uncertain significance for Fanconi anemia. Last evaluated: 2025-08-11. Review status: criteria provided, single submitter. Criteria: Invitae Variant Classification Sherloc (09022015). Collection method: clinical testing. Allele origin: germline.
Comment: This sequence change falls in intron 34 of the FANCI gene. It does not directly change the encoded amino acid sequence of the FANCI protein. It affects a nucleotide within the consensus splice site. This variant is not present in population databases (gnomAD no frequency). This variant has not been reported in the literature in individuals affected with FANCI-related conditions. ClinVar contains an entry for this variant (Variation ID: 1362480). Variants that disrupt the consensus splice site are a relatively common cause of aberrant splicing (PMID: 17576681, 9536098). Algorithms developed to predict the effect of sequence changes on RNA splicing suggest that this variant may disrupt the consensus splice site. In summary, the available evidence is currently insufficient to determine the role of this variant in disease. Therefore, it has been classified as a Variant of Uncertain Significance.

Literature cited by the submitters: PubMed 17576681; PubMed 9536098.

NM_001113378.2(FANCI):c.3651+3A>G

Gene: FANCI (FA complementation group I; plus strand). Cytogenetic location: 15q26.1.
Variant type: single nucleotide variant.
Coding change: c.3651+3A>G on transcript NM_001113378.2 (MANE Select); 3 bases into the intron after coding-DNA position 3651, A replaced by G.
Molecular consequence: intron variant.
Genome position (GRCh38, 1-based): chr15:89,307,675, A>G. VCF-style: chr15-89307675-A-G. GRCh37 (hg19) VCF-style: chr15-89850906-A-G.
Other names: c.3471+3A>G (NM_018193.3); c.3651+3A>G (NM_001376911.1); c.3372+3A>G (NM_001376910.1).
Identifiers: ClinVar variation 1362480 (VCV001362480.6), dbSNP rs2151942001, ClinGen allele CA2573151252.